The following is an entry in ClinVar:

ClinVar aggregate classification (germline): Benign/Likely benign. Review status: criteria provided, multiple submitters, no conflicts (2 of 4 stars). 6 submissions from 6 submitters: Benign (1); Likely benign (5). Last evaluated 2025-05-12.

Conditions:
Hereditary nonpolyposis colorectal neoplasms. Identifiers: MedGen C0009405, MeSH D003123.
Hereditary cancer-predisposing syndrome. Also called: Neoplastic Syndromes, Hereditary; Tumor predisposition; Hereditary neoplastic syndrome; Hereditary Cancer Syndrome. Identifiers: Orphanet 140162, MedGen C0027672, MeSH D009386, MONDO:0015356.
Lynch syndrome. Identifiers: Orphanet 144, MedGen C4552100, MONDO:0005835. Disease mechanism: loss of function.
Lynch syndrome 4 (LYNCH4). Also called: Colorectal cancer, hereditary nonpolyposis, type 4; Hereditary non-polyposis colorectal cancer, type 4. Identifiers: Orphanet 144, MedGen C1838333, MONDO:0013699, OMIM 614337. Disease mechanism: loss of function.

Allele frequency attached by ClinVar (database versions not stated): TOPMed 0.00001.

Submissions (6):

Labcorp Genetics (formerly Invitae), Labcorp
Classification: Likely benign for Hereditary nonpolyposis colorectal neoplasms. Last evaluated: 2025-05-12. Review status: criteria provided, single submitter. Criteria: Invitae Variant Classification Sherloc (09022015). Collection method: clinical testing. Allele origin: germline.

Myriad Genetics, Inc.
Classification: Benign for Lynch syndrome 4. Last evaluated: 2025-01-23. Review status: criteria provided, single submitter. Criteria: Myriad Autosomal Dominant, Autosomal Recessive and X-Linked Classification Criteria (2023). Collection method: clinical testing. Allele origin: unknown.
Comment: This variant is considered benign. This variant is a silent/synonymous amino acid change and it is not expected to impact splicing.

All of Us Research Program, National Institutes of Health
Classification: Likely benign for Lynch syndrome. Last evaluated: 2023-11-02. Review status: criteria provided, single submitter. Criteria: ACMG Guidelines, 2015. Collection method: clinical testing. Allele origin: germline. Inheritance: Autosomal dominant inheritance. Observed: 1 variant allele, 1 heterozygote.
Comment: This study involves interpretation of variants in research participants for the purpose of population health screening. Participant phenotype was not available at the time of variant classification. Additional details can be found in publication PMID: 35346344, PMCID: PMC8962531

Quest Diagnostics Nichols Institute San Juan Capistrano
Classification: Likely benign. Last evaluated: 2020-01-03. Review status: criteria provided, single submitter. Criteria: Quest Diagnostics criteria. Collection method: clinical testing. Allele origin: unknown.

Ambry Genetics
Classification: Likely benign for Hereditary cancer-predisposing syndrome. Last evaluated: 2019-02-19. Review status: criteria provided, single submitter. Criteria: Ambry Variant Classification Scheme 2023. Collection method: clinical testing. Allele origin: germline.

Color Diagnostics, LLC DBA Color Health
Classification: Likely benign for Hereditary cancer-predisposing syndrome. Last evaluated: 2018-07-24. Review status: criteria provided, single submitter. Criteria: ACMG Guidelines, 2015. Collection method: clinical testing. Allele origin: germline.

NM_000535.7(PMS2):c.105A>G (p.Leu35=)

Gene: PMS2 (PMS1 homolog 2, mismatch repair system component; minus strand). Cytogenetic location: 7p22.1.
Variant type: single nucleotide variant.
Coding change: c.105A>G on transcript NM_000535.7 (MANE Select); coding-DNA position 105, A replaced by G.
Protein change: p.Leu35=; no amino-acid change (leucine 35 retained).
Molecular consequence: synonymous variant. On other transcripts: 5 prime UTR variant (8), non-coding transcript variant (1), intron variant (3).
Genome position (GRCh38, 1-based): chr7:6,005,950, T>C on the plus strand (A>G on the coding strand, the complement: PMS2 is on the minus strand). VCF-style: chr7-6005950-T-C. GRCh37 (hg19) VCF-style: chr7-6045581-T-C.
Other names: c.-301A>G (NM_001322003.2, NM_001322005.2, NM_001322009.2 and 1 more transcripts); c.105A>G, p.Leu35= (NM_001322006.2, NM_001322014.2); c.-111A>G (NM_001322007.2); c.-780A>G (NM_001322011.2, NM_001322012.2); c.-380A>G (NM_001322015.2); c.-52-1892A>G (NM_001322008.2); c.-242-1892A>G (NM_001322010.2, NM_001322004.2).
Identifiers: ClinVar variation 627913 (VCV000627913.17), dbSNP rs947238940, ClinGen allele CA153249707.